The following is an entry in ClinVar:

NM_014780.5(CUL7):c.4355G>A (p.Gly1452Asp)

Gene: CUL7 (cullin 7; minus strand). Cytogenetic location: 6p21.1.
Variant type: single nucleotide variant.
Coding change: c.4355G>A on transcript NM_014780.5 (MANE Select); coding-DNA position 4355, G replaced by A.
Protein change: p.Gly1452Asp; replaces glycine 1452 with aspartic acid.
Molecular consequence: missense variant.
Genome position (GRCh38, 1-based): chr6:43,038,927, C>T on the plus strand (G>A on the coding strand, the complement: CUL7 is on the minus strand). VCF-style: chr6-43038927-C-T. GRCh37 (hg19) VCF-style: chr6-43006665-C-T.
Other names: c.4451G>A, p.Gly1484Asp (NM_001168370.2, NM_001374872.1); c.4355G>A, p.Gly1452Asp (NM_001374873.1); c.4352G>A, p.Gly1451Asp (NM_001374874.1); short protein forms G1451D, G1452D, G1484D.
Identifiers: ClinVar variation 2691638 (VCV002691638.2), dbSNP rs1267296301, ClinGen allele CA364191711.

ClinVar aggregate classification (germline): Uncertain significance (1 of 4 stars; one submission).

Allele frequency attached by ClinVar (database versions not stated): gnomAD exomes below 0.00001; gnomAD 0.00001; TOPMed 0.00001.
gnomAD v4.1: 3 of 1,613,834 alleles (0.00019%); highest among the groups gnomAD compares: East Asian, 0.0067%; no homozygotes.

Submission:

Women's Health and Genetics/Laboratory Corporation of America, LabCorp
Classification: Uncertain significance. Last evaluated: 2024-08-06. Review status: criteria provided, single submitter. Criteria: LabCorp Variant Classification Summary - May 2015. Collection method: clinical testing. Allele origin: germline.
Comment: Variant summary: CUL7 c.4355G>A (p.Gly1452Asp) results in a non-conservative amino acid change located in the Cullin, N-terminal domain (IPR001373) of the encoded protein sequence. Five of five in-silico tools predict a damaging effect of the variant on protein function. The variant was absent in 251282 control chromosomes (gnomAD). The available data on variant occurrences in the general population are insufficient to allow any conclusion about variant significance. c.4355G>A has been reported in the literature in an individual affected with Three M Syndrome (Takatani_2018). These data do not allow any conclusion about variant significance. To our knowledge, no experimental evidence demonstrating an impact on protein function has been reported. The following publication has been ascertained in the context of this evaluation (PMID: 30374406). ClinVar contains an entry for this variant (Variation ID: 2691638). Based on the evidence outlined above, the variant was classified as uncertain significance.

Literature cited by the submitters: PubMed 30374406.